The following is an entry in ClinVar:

ClinVar aggregate classification (germline): Uncertain significance. Review status: criteria provided, multiple submitters, no conflicts (2 of 4 stars). 2 submissions from 2 submitters: Uncertain significance (2). Last evaluated 2023-06-20.

Conditions:
Regional enteritis. Also called: Enteritis, Granulomatous. Identifiers: MedGen C0678202, MeSH D003424.
Blau syndrome (BLAUS). Also called: GRANULOMATOSIS, FAMILIAL JUVENILE SYSTEMIC; GRANULOMATOSIS, FAMILIAL, BLAU TYPE; GRANULOMATOUS INFLAMMATORY ARTHRITIS, DERMATITIS, AND UVEITIS, FAMILIAL; JABS SYNDROME; ARTHROCUTANEOUVEAL GRANULOMATOSIS. Identifiers: Orphanet 90340, MedGen C5201146, MONDO:0008523, OMIM 186580.
Autoinflammatory syndrome. Identifiers: Orphanet 93665, MedGen C3890737, MONDO:0019751.

Allele frequency attached by ClinVar (database versions not stated): gnomAD exomes below 0.00001; ExAC 0.00001.
gnomAD v4.1: 5 of 1,613,056 alleles (0.00031%); highest among the groups gnomAD compares: African/African-American, 0.0013%; no homozygotes.

Submissions (2):

Labcorp Genetics (formerly Invitae), Labcorp
Classification: Uncertain significance for Regional enteritis; Blau syndrome. Last evaluated: 2023-06-20. Review status: criteria provided, single submitter. Criteria: Invitae Variant Classification Sherloc (09022015). Collection method: clinical testing. Allele origin: germline.
Comment: In summary, the available evidence is currently insufficient to determine the role of this variant in disease. Therefore, it has been classified as a Variant of Uncertain Significance. Advanced modeling of protein sequence and biophysical properties (such as structural, functional, and spatial information, amino acid conservation, physicochemical variation, residue mobility, and thermodynamic stability) performed at Invitae indicates that this missense variant is not expected to disrupt NOD2 protein function. ClinVar contains an entry for this variant (Variation ID: 961982). This variant has not been reported in the literature in individuals affected with NOD2-related conditions. This variant is present in population databases (rs771490210, gnomAD 0.0009%). This sequence change replaces arginine, which is basic and polar, with glycine, which is neutral and non-polar, at codon 1009 of the NOD2 protein (p.Arg1009Gly).

Genome Diagnostics Laboratory, The Hospital for Sick Children
Classification: Uncertain significance for Autoinflammatory syndrome. Last evaluated: 2018-02-02. Review status: criteria provided, single submitter. Criteria: ACMG Guidelines, 2015. Collection method: clinical testing. Allele origin: germline. Affected: yes.

NM_001370466.1(NOD2):c.2944A>G (p.Arg982Gly)

Genes: NOD2 (nucleotide binding oligomerization domain containing 2; plus strand), CYLD-AS1 (CYLD antisense RNA 1; minus strand). Cytogenetic location: 16q12.1.
Variant type: single nucleotide variant.
Coding change: c.2944A>G on transcript NM_001370466.1 (MANE Select); coding-DNA position 2944, A replaced by G.
Protein change: p.Arg982Gly; replaces arginine 982 with glycine.
Molecular consequence: missense variant. On other transcripts: non-coding transcript variant (1).
Genome position (GRCh38, 1-based): chr16:50,729,876, A>G. VCF-style: chr16-50729876-A-G. GRCh37 (hg19) VCF-style: chr16-50763787-A-G.
Other names: c.2944A>G, p.Arg982Gly (NM_001293557.2); c.3025A>G, p.Arg1009Gly (NM_022162.3); short protein forms R1009G, R982G.
Identifiers: ClinVar variation 961982 (VCV000961982.13), dbSNP rs771490210, ClinGen allele CA8052049.
Genomic context (GRCh38, chr16:50,729,876, plus strand): 5'-AGGTTGTCCAATAACTGCATCACCTACCTAGGGGCAGAAGCCCTCCTGCAGGCCCTTGAA[A>G]GGAATGACACCATCCTGGAAGTCTGGTAAGGCCCCTGGGCAGGCCTGTTTTAGCTCTCCG-3'
Protein context (NP_001357395.1, residues 972-992): GAEALLQALE[Arg982Gly]NDTILEVWLR